The following is an entry in ClinVar:

NC_000017.11:g.(?_43115720)_(43124102_?)del

Genes: BRCA1 (BRCA1 DNA repair associated; minus strand), LOC111589216 (BRCA1 intron 2 regulatory region; plus strand), LOC110485084 (BRCA1 intronic recombination region; plus strand). Cytogenetic location: 17q21.31.
Variant type: Deletion.
Identifiers: ClinVar variation 462212 (VCV000462212.2).

ClinVar aggregate classification (germline): Pathogenic (1 of 4 stars; one submission).

Conditions:
Hereditary breast ovarian cancer syndrome. Also called: Hereditary breast and ovarian cancer syndrome (HBOC); Hereditary breast and ovarian cancer syndrome; Breast and ovarian cancer; Hereditary breast and/or ovarian cancer syndrome; Hereditary breast and ovarian cancer; BRCA1- and BRCA2-Associated Hereditary Breast and Ovarian Cancer. Identifiers: Orphanet 145, MedGen C0677776, MeSH D061325, MONDO:0003582. Disease mechanism: loss of function.

Submission:

Labcorp Genetics (formerly Invitae), Labcorp
Classification: Pathogenic for Hereditary breast ovarian cancer syndrome. Last evaluated: 2021-08-12. Review status: criteria provided, single submitter. Criteria: Invitae Variant Classification Sherloc (09022015). Collection method: clinical testing. Allele origin: germline.
Comment: This variant is a gross deletion of the genomic region encompassing exon(s) 2-3 of the BRCA1 gene, which includes the initiator codon. This deletion extends beyond the assayed region for this gene and therefore may encompass additional genes. It is expected to result in an absent or disrupted protein product. Loss-of-function variants in BRCA1 are known to be pathogenic (PMID: 20104584). This variant has not been reported in the literature in individuals affected with BRCA1-related conditions. For these reasons, this variant has been classified as Pathogenic.

Literature cited by the submitters: PubMed 20104584.